The following is an entry in ClinVar:

NM_006005.3(WFS1):c.1343G>A (p.Ser448Asn)

Gene: WFS1 (wolframin ER transmembrane glycoprotein; plus strand). Cytogenetic location: 4p16.1.
Variant type: single nucleotide variant.
Coding change: c.1343G>A on transcript NM_006005.3 (MANE Select); coding-DNA position 1343, G replaced by A.
Protein change: p.Ser448Asn; replaces serine 448 with asparagine.
Molecular consequence: missense variant.
Genome position (GRCh38, 1-based): chr4:6,301,138, G>A. VCF-style: chr4-6301138-G-A. GRCh37 (hg19) VCF-style: chr4-6302865-G-A.
Other names: c.1343G>A, p.Ser448Asn (NM_001145853.1); short protein forms S448N.
Identifiers: ClinVar variation 1468493 (VCV001468493.9), dbSNP rs2109125737, ClinGen allele CA356174717.

ClinVar aggregate classification (germline): Uncertain significance. Review status: criteria provided, multiple submitters, no conflicts (2 of 4 stars). 2 submissions from 2 submitters: Uncertain significance (2). Last evaluated 2022-09-13.

Allele frequency attached by ClinVar (database versions not stated): gnomAD exomes below 0.00001.
gnomAD v4.1: 2 of 1,613,274 alleles (0.00012%); highest among the groups gnomAD compares: Non-Finnish European, 0.000085%; no homozygotes.

Submissions (2):

Labcorp Genetics (formerly Invitae), Labcorp
Classification: Uncertain significance. Last evaluated: 2022-09-13. Review status: criteria provided, single submitter. Criteria: Invitae Variant Classification Sherloc (09022015). Collection method: clinical testing. Allele origin: germline.
Comment: In summary, the available evidence is currently insufficient to determine the role of this variant in disease. Therefore, it has been classified as a Variant of Uncertain Significance. Advanced modeling of protein sequence and biophysical properties (such as structural, functional, and spatial information, amino acid conservation, physicochemical variation, residue mobility, and thermodynamic stability) performed at Invitae indicates that this missense variant is not expected to disrupt WFS1 protein function. ClinVar contains an entry for this variant (Variation ID: 1468493). This variant has not been reported in the literature in individuals affected with WFS1-related conditions. This variant is not present in population databases (gnomAD no frequency). This sequence change replaces serine, which is neutral and polar, with asparagine, which is neutral and polar, at codon 448 of the WFS1 protein (p.Ser448Asn).

Blueprint Genetics
Classification: Uncertain significance. Last evaluated: 2022-01-18. Review status: criteria provided, single submitter. Criteria: ACMG Guidelines, 2015. Collection method: clinical testing. Allele origin: germline.